The following is an entry in ClinVar:

ClinVar aggregate classification (germline): Pathogenic. Review status: criteria provided, multiple submitters, no conflicts (2 of 4 stars). 2 submissions from 2 submitters: Pathogenic (2). Last evaluated 2025-07-13.

Conditions:
Hereditary nonpolyposis colorectal neoplasms. Identifiers: MedGen C0009405, MeSH D003123.
Hereditary cancer-predisposing syndrome. Also called: Tumor predisposition; Hereditary neoplastic syndrome; Neoplastic Syndromes, Hereditary; Hereditary Cancer Syndrome. Identifiers: Orphanet 140162, MedGen C0027672, MeSH D009386, MONDO:0015356.

Submissions (2):

Labcorp Genetics (formerly Invitae), Labcorp
Classification: Pathogenic for Hereditary nonpolyposis colorectal neoplasms. Last evaluated: 2025-07-13. Review status: criteria provided, single submitter. Criteria: Invitae Variant Classification Sherloc (09022015). Collection method: clinical testing. Allele origin: germline.
Comment: This sequence change creates a premature translational stop signal (p.Gln781Profs*5) in the PMS2 gene. It is expected to result in an absent or disrupted protein product. Loss-of-function variants in PMS2 are known to be pathogenic (PMID: 21376568, 24362816). The frequency data for this variant in the population databases (gnomAD) is considered unreliable due to the presence of homologous sequence, such as pseudogenes or paralogs, in the genome. This variant has not been reported in the literature in individuals affected with PMS2-related conditions. ClinVar contains an entry for this variant (Variation ID: 1074531). For these reasons, this variant has been classified as Pathogenic.

Ambry Genetics
Classification: Pathogenic for Hereditary cancer-predisposing syndrome. Last evaluated: 2023-04-19. Review status: criteria provided, single submitter. Criteria: Ambry Variant Classification Scheme 2023. Collection method: clinical testing. Allele origin: germline.
Comment: The c.2341dupC pathogenic mutation, located in coding exon 14 of the PMS2 gene, results from a duplication of C at nucleotide position 2341, causing a translational frameshift with a predicted alternate stop codon (p.Q781Pfs*5). This variant has been identified in a proband whose Lynch syndrome-associated tumor demonstrated high microsatellite instability and loss of PMS2 expression by immunohistochemistry (Wang Q et al. J Med Genet, 2020 Jul;57:487-499). This variant is considered to be rare based on population cohorts in the Genome Aggregation Database (gnomAD). This alteration is expected to result in loss of function by premature protein truncation or nonsense-mediated mRNA decay. As such, this alteration is interpreted as a disease-causing mutation.

Literature cited by the submitters: PubMed 21376568 (cited by Labcorp Genetics (formerly Invitae), Labcorp); PubMed 24362816 (cited by Labcorp Genetics (formerly Invitae), Labcorp); PubMed 31992580 (cited by Ambry Genetics).

NM_000535.7(PMS2):c.2341dup (p.Gln781fs)

Gene: PMS2 (PMS1 homolog 2, mismatch repair system component; minus strand). Cytogenetic location: 7p22.1.
Variant type: Duplication.
Coding change: c.2341dup on transcript NM_000535.7 (MANE Select); coding-DNA position 2341, one base duplicated (C; older notation c.2341dupC).
Protein change: p.Gln781fs; shifts the reading frame from glutamine 781.
Molecular consequence: frameshift variant. On other transcripts: non-coding transcript variant (1).
Genome position (GRCh38, 1-based): chr7:5,977,692, G duplicated on the plus strand (C on the coding strand, the reverse complement: PMS2 is on the minus strand); the first of 4 consecutive G bases (chr7:5,977,692-5,977,695); duplicating any one gives the same sequence. VCF-style (leftmost placement, unchanged base first): chr7-5977691-T-TG. GRCh37 (hg19) VCF-style: chr7-6017322-T-TG.
Other names: c.2341dupC (NM_000535.5); c.1936dup, p.Gln646fs (NM_001322003.2, NM_001322004.2, NM_001322005.2); c.2185dup, p.Gln729fs (NM_001322006.2); c.2023dup, p.Gln675fs (NM_001322007.2, NM_001322008.2); c.1969dup, p.Gln657fs (NM_001322009.2); c.1780dup, p.Gln594fs (NM_001322010.2); c.1408dup, p.Gln470fs (NM_001322011.2, NM_001322012.2); c.1768dup, p.Gln590fs (NM_001322013.2); and 2 more; short protein forms Q470fs, Q590fs, Q594fs, Q646fs, Q657fs, Q675fs, Q678fs, Q729fs.
Identifiers: ClinVar variation 1074531 (VCV001074531.8), dbSNP rs2128674468, ClinGen allele CA2499218951.
Genomic context (GRCh38, chr7:5,977,691, plus strand): 5'-GAAGGCCGGCACATGACCCCAGGGCTGTCGCTCAGCATGAAGATCAGTTCATCGACGTCC[T>TG]GGGGTCCGAAGGTCCAGTTTTTACTAGTTGGCAAGGAAATCAGTTTAGCCCTTTCAGTGA-3'